The following is an entry in ClinVar:

ClinVar aggregate classification (germline): Uncertain significance (1 of 4 stars; one submission).

Allele frequency attached by ClinVar (database versions not stated): TOPMed 0.00001; ExAC 0.00004; gnomAD 0.00005.
gnomAD v4.1: 65 of 1,614,098 alleles (0.004%); highest among the groups gnomAD compares: Non-Finnish European, 0.00059%; no homozygotes.

Submission:

Labcorp Genetics (formerly Invitae), Labcorp
Classification: Uncertain significance. Last evaluated: 2023-03-27. Review status: criteria provided, single submitter. Criteria: Invitae Variant Classification Sherloc (09022015). Collection method: clinical testing. Allele origin: germline.
Comment: In summary, the available evidence is currently insufficient to determine the role of this variant in disease. Therefore, it has been classified as a Variant of Uncertain Significance. This sequence change replaces threonine, which is neutral and polar, with alanine, which is neutral and non-polar, at codon 940 of the ERBIN protein (p.Thr940Ala). This variant is present in population databases (rs770010911, gnomAD 0.08%), and has an allele count higher than expected for a pathogenic variant. This variant has not been reported in the literature in individuals affected with ERBIN-related conditions. Algorithms developed to predict the effect of missense changes on protein structure and function output the following: SIFT: "Not Available"; PolyPhen-2: "Benign"; Align-GVGD: "Not Available". The alanine amino acid residue is found in multiple mammalian species, which suggests that this missense change does not adversely affect protein function.

NM_001253697.2(ERBIN):c.2818A>G (p.Thr940Ala)

Gene: ERBIN (erbb2 interacting protein; plus strand). Cytogenetic location: 5q12.3.
Variant type: single nucleotide variant.
Coding change: c.2818A>G on transcript NM_001253697.2 (MANE Select); coding-DNA position 2818, A replaced by G.
Protein change: p.Thr940Ala; replaces threonine 940 with alanine.
Molecular consequence: missense variant.
Genome position (GRCh38, 1-based): chr5:66,054,136, A>G. VCF-style: chr5-66054136-A-G. GRCh37 (hg19) VCF-style: chr5-65349964-A-G.
Other names: c.2818A>G, p.Thr940Ala (NM_001006600.3, NM_001253698.2, NM_001253699.2 and 1 more transcripts); c.2806A>G, p.Thr936Ala (NM_001253701.2); short protein forms T936A, T940A.
Identifiers: ClinVar variation 3012446 (VCV003012446.3), dbSNP rs770010911, ClinGen allele CA3286543.
Genomic context (GRCh38, chr5:66,054,136, plus strand): 5'-TATGATCAACCATTGCAGGTATTTACTGGTTCTTCCTCATCTTCTGATTTAATATCAGGA[A>G]CAAAGGCAATTTTCAAGTTTGATTCAAATCATAATCCCGAAGAGCCAAATATAATAAGAG-3'
Protein context (NP_001240626.1, residues 930-950): SSSSSDLISG[Thr940Ala]KAIFKFDSNH